The following is an entry in ClinVar:

NM_001042492.3(NF1):c.8197_8198del (p.Lys2733fs)

Gene: NF1 (neurofibromin 1; plus strand). Cytogenetic location: 17q11.2.
Variant type: Deletion.
Coding change: c.8197_8198del on transcript NM_001042492.3 (MANE Select); coding-DNA positions 8197 to 8198, 2 bases deleted (AA; older notation c.8197_8198delAA).
Protein change: p.Lys2733fs; shifts the reading frame from lysine 2733.
Molecular consequence: frameshift variant.
Genome position (GRCh38, 1-based): chr17:31,360,523-31,360,524, AA deleted. VCF-style (leftmost placement, unchanged base first): chr17-31360522-TAA-T. GRCh37 (hg19) VCF-style: chr17-29687540-TAA-T.
Other names: c.8134_8135delAA, p.Lys2712Valfs (NM_000267.4); short protein forms K2733fs, K2712fs.
Identifiers: ClinVar variation 3722703 (VCV003722703.2).

ClinVar aggregate classification (germline): Pathogenic (1 of 4 stars; one submission).

Conditions:
Neurofibromatosis, type 1 (NF1). Also called: VON RECKLINGHAUSEN DISEASE; NEUROFIBROMATOSIS, TYPE I, SOMATIC; Peripheral type neurofibromatosis; Neurofibromatosis, type I. Identifiers: Orphanet 636, MedGen C0027831, MONDO:0018975, OMIM 162200. Disease mechanism: loss of function.

Submission:

Labcorp Genetics (formerly Invitae), Labcorp
Classification: Pathogenic for Neurofibromatosis, type 1. Last evaluated: 2024-06-18. Review status: criteria provided, single submitter. Criteria: Invitae Variant Classification Sherloc (09022015). Collection method: clinical testing. Allele origin: germline.
Comment: This sequence change creates a premature translational stop signal (p.Lys2712Valfs*3) in the NF1 gene. It is expected to result in an absent or disrupted protein product. Loss-of-function variants in NF1 are known to be pathogenic (PMID: 10712197, 23913538). This variant is not present in population databases (gnomAD no frequency). This premature translational stop signal has been observed in individual(s) with neurofibromatosis type 1 (PMID: 10607834). For these reasons, this variant has been classified as Pathogenic.

Literature cited by the submitters: PubMed 10712197; PubMed 23913538; PubMed 10607834.